The following is an entry in ClinVar:

ClinVar aggregate classification (germline): Pathogenic. Review status: criteria provided, multiple submitters, no conflicts (2 of 4 stars). 4 submissions from 4 submitters: Pathogenic (3). 1 of the submissions does not count toward it. Last evaluated 2024-02-29.

Conditions:
Walker-Warburg congenital muscular dystrophy. Also called: Muscular dystrophy-dystroglycanopathy, type A; Walker-Warburg syndrome. Identifiers: Orphanet 899, MedGen C0265221, MONDO:0000171.
Muscular dystrophy-dystroglycanopathy (congenital with brain and eye anomalies), type A, 4 (MDDGA4). Also called: WALKER-WARBURG SYNDROME OR MUSCLE-EYE-BRAIN DISEASE, FKTN-RELATED; Muscular dystrophy, congenital, with central nervous system involvement; Cerebromuscular dystrophy, Fukuyama type; Fukuyama congenital muscular dystrophy; Muscular dystrophy, congenital progressive, with mental retardation; Congenital muscular dystrophy-dystroglycanopathy with brain and eye anomalies, type A4. Identifiers: Orphanet 272, Orphanet 588, Orphanet 899, MedGen C0410174, MONDO:0009678, OMIM 253800.
Dilated cardiomyopathy 1X (CMD1X). Also called: CARDIOMYOPATHY, DILATED, WITH MILD OR NO PROXIMAL MUSCLE WEAKNESS; FKTN-Related Dilated Cardiomyopathy. Identifiers: Orphanet 154, MedGen C1969024, MONDO:0012704, OMIM 611615.

Submissions (4):

Natera, Inc.
Classification: Pathogenic for Walker-Warburg congenital muscular dystrophy. Last evaluated: 2024-02-29. Review status: criteria provided, single submitter. Criteria: Natera Variant Classification Schema (03/2026). Collection method: clinical testing. Allele origin: germline.
Comment: The c.454dupT variant in FKTN is a frameshift variant predicted to shift the reading frame beginning at codon 152 and leads to a stop codon 6 codons downstream. This variant is expected to result in nonsense mediated decay, truncation, or a dysfunctional protein product. This variant is rare in the general population with a frequency below the threshold expected for the associated phenotype(s). This variant has been observed in one or more individuals affected with the associated recessive disease, as either homozygous or compound heterozygous with a second variant (PMID: 12601708). Given the available evidence, this variant is classified as Pathogenic.

Baylor Genetics
Classification: Pathogenic for Dilated cardiomyopathy 1X. Last evaluated: 2024-02-19. Review status: criteria provided, single submitter. Criteria: ACMG Guidelines, 2015. Collection method: clinical testing. Allele origin: unknown.

Labcorp Genetics (formerly Invitae), Labcorp
Classification: Pathogenic for Walker-Warburg congenital muscular dystrophy. Last evaluated: 2020-11-07. Review status: criteria provided, single submitter. Criteria: Invitae Variant Classification Sherloc (09022015). Collection method: clinical testing. Allele origin: germline.
Comment: This sequence change creates a premature translational stop signal (p.Ser152Phefs*6) in the FKTN gene. It is expected to result in an absent or disrupted protein product. Loss-of-function variants in FKTN are known to be pathogenic (PMID: 17044012, 17878207, 18752264). This variant is not present in population databases (ExAC no frequency). This variant has been observed in individual(s) with clinical features of Walker-Warburg syndrome (PMID: 12601708). It is also known as nt504(insT). ClinVar contains an entry for this variant (Variation ID: 3205). For these reasons, this variant has been classified as Pathogenic.

OMIM
Classification: Pathogenic for MUSCULAR DYSTROPHY-DYSTROGLYCANOPATHY (CONGENITAL WITH BRAIN AND EYE ANOMALIES), TYPE A, 4. Last evaluated: 2003-03-01. Review status: no assertion criteria provided. Collection method: literature only. Allele origin: germline. Not counted in ClinVar's aggregate classification.

Literature cited by the submitters: PubMed 12601708 (cited by 3 submitters); PubMed 17044012 (cited by Labcorp Genetics (formerly Invitae), Labcorp); PubMed 17878207 (cited by Labcorp Genetics (formerly Invitae), Labcorp); PubMed 18752264 (cited by Labcorp Genetics (formerly Invitae), Labcorp).

NM_001079802.2(FKTN):c.454dup (p.Ser152fs)

Gene: FKTN (fukutin; plus strand). Cytogenetic location: 9q31.2.
Variant type: Duplication.
Coding change: c.454dup on transcript NM_001079802.2 (MANE Select); coding-DNA position 454, one base duplicated (T; older notation c.454dupT).
Protein change: p.Ser152fs; shifts the reading frame from serine 152.
Molecular consequence: frameshift variant. On other transcripts: non-coding transcript variant (2).
Genome position (GRCh38, 1-based): chr9:105,604,299, T duplicated. VCF-style (leftmost placement, unchanged base first): chr9-105604298-C-CT. GRCh37 (hg19) VCF-style: chr9-108366579-C-CT.
Other names: c.454dup, p.Ser152fs (NM_001198963.2, NM_001351496.2, NM_001351498.2 and 1 more transcripts); c.385dup, p.Ser129fs (NM_001351497.2); c.58dup, p.Ser20fs (NM_001351499.2, NM_001351500.2, NM_001351501.2 and 1 more transcripts); c.454dupT (NM_001079802.1); short protein forms S152fs, S20fs, S129fs.
Identifiers: ClinVar variation 3205 (VCV000003205.9), dbSNP rs587777748, ClinGen allele CA116065.
Genomic context (GRCh38, chr9:105,604,298, plus strand): 5'-GAATATGGGATTTCAGTGCCTAAAGATTGAGAGTAAAGATCCCCGGCTAGACGGGATAGA[C>CT]TCACTCTCTGGAACTGAAATCCCCCTGCACTATATCTGCAAACTGGCCACTCATGCGATC-3'